The following is an entry in ClinVar:

ClinVar aggregate classification (germline): Uncertain significance. Review status: criteria provided, multiple submitters, no conflicts (2 of 4 stars). 2 submissions from 2 submitters: Uncertain significance (2). Last evaluated 2024-02-16.

Conditions:
Aicardi-Goutieres syndrome 6 (AGS6). Identifiers: Orphanet 51, MedGen C3539013, MONDO:0014007, OMIM 615010.
Symmetrical dyschromatosis of extremities (DSH). Also called: RETICULATE ACROPIGMENTATION OF DOHI; SYMMETRIC DYSCHROMATOSIS OF THE EXTREMITIES; Dyschromatosis symmetrica hereditaria; DYSCHROMATOSIS SYMMETRICA HEREDITARIA 1. Identifiers: Orphanet 41, MedGen C0406775, MONDO:0007483, OMIM 127400.

Allele frequency attached by ClinVar (database versions not stated): gnomAD 0.00001.
gnomAD v4.1: 6 of 1,613,936 alleles (0.00037%); highest among the groups gnomAD compares: Non-Finnish European, 0.00051%; no homozygotes.

Submissions (2):

Labcorp Genetics (formerly Invitae), Labcorp
Classification: Uncertain significance for Aicardi-Goutieres syndrome 6; Symmetrical dyschromatosis of extremities. Last evaluated: 2024-02-16. Review status: criteria provided, single submitter. Criteria: Invitae Variant Classification Sherloc (09022015). Collection method: clinical testing. Allele origin: germline.
Comment: This sequence change replaces serine, which is neutral and polar, with proline, which is neutral and non-polar, at codon 878 of the ADAR protein (p.Ser878Pro). This variant is not present in population databases (gnomAD no frequency). This variant has not been reported in the literature in individuals affected with ADAR-related conditions. ClinVar contains an entry for this variant (Variation ID: 1396756). Advanced modeling of protein sequence and biophysical properties (such as structural, functional, and spatial information, amino acid conservation, physicochemical variation, residue mobility, and thermodynamic stability) performed at Invitae indicates that this missense variant is not expected to disrupt ADAR protein function with a negative predictive value of 80%. In summary, the available evidence is currently insufficient to determine the role of this variant in disease. Therefore, it has been classified as a Variant of Uncertain Significance.

GeneDx
Classification: Uncertain significance. Last evaluated: 2023-06-12. Review status: criteria provided, single submitter. Criteria: GeneDx Variant Classification Process June 2021. Collection method: clinical testing. Allele origin: germline. Affected: yes.
Comment: Not observed at significant frequency in large population cohorts (gnomAD); In silico analysis supports that this missense variant does not alter protein structure/function; Has not been previously published as pathogenic or benign to our knowledge

NM_001111.5(ADAR):c.2632T>C (p.Ser878Pro)

Genes: ADAR (adenosine deaminase RNA specific; minus strand), LOC126805874 (CDK7 strongly-dependent group 2 enhancer GRCh37_chr1:154561176-154562375; plus strand). Cytogenetic location: 1q21.3.
Variant type: single nucleotide variant.
Coding change: c.2632T>C on transcript NM_001111.5 (MANE Select); coding-DNA position 2632, T replaced by C.
Protein change: p.Ser878Pro; replaces serine 878 with proline.
Molecular consequence: missense variant.
Genome position (GRCh38, 1-based): chr1:154,589,793, A>G on the plus strand (T>C on the coding strand, the complement: ADAR is on the minus strand). VCF-style: chr1-154589793-A-G. GRCh37 (hg19) VCF-style: chr1-154562269-A-G.
Other names: c.1747T>C, p.Ser583Pro (NM_001025107.3, NM_001193495.2, NM_001365046.1 and 2 more transcripts); c.2659T>C, p.Ser887Pro (NM_001365045.1); c.1669T>C, p.Ser557Pro (NM_001365049.1); c.2554T>C, p.Ser852Pro (NM_015840.4); c.2497T>C, p.Ser833Pro (NM_015841.4); c.2632T>C (NM_001111.4); short protein forms S887P, S878P, S557P, S833P, S852P, S583P.
Identifiers: ClinVar variation 1396756 (VCV001396756.9), dbSNP rs1261780777, ClinGen allele CA342636817.